The following is an entry in ClinVar:

ClinVar aggregate classification (germline): Pathogenic (1 of 4 stars; one submission).

Conditions:
Hypertrophic cardiomyopathy. Also called: HYPERTROPHIC MYOCARDIOPATHY. Identifiers: Orphanet 217569, MedGen C0007194, MeSH D002312, MONDO:0005045, HP:0001639.

Submission:

Labcorp Genetics (formerly Invitae), Labcorp
Classification: Pathogenic for Hypertrophic cardiomyopathy. Last evaluated: 2021-08-12. Review status: criteria provided, single submitter. Criteria: Invitae Variant Classification Sherloc (09022015). Collection method: clinical testing. Allele origin: germline.
Comment: This variant is a gross deletion of the genomic region encompassing exon(s) 6-34 of the MYBPC3 gene, which includes the termination codon. This deletion extends beyond the assayed region for this gene and therefore may encompass additional genes. While this deletion is not anticipated to lead to nonsense mediated decay, it is expected to alter mRNA translation or result in a truncated protein product. This variant has not been reported in the literature in individuals affected with MYBPC3-related conditions. This variant disrupts a region of the MYBPC3 protein in which other variant(s) (p.Arg1271*) have been determined to be pathogenic (PMID: 18533079, 19574547, 23396983, 27532257; Invitae). This suggests that this is a clinically significant region of the protein, and that variants that disrupt it are likely to be disease-causing. For these reasons, this variant has been classified as Pathogenic.

Literature cited by the submitters: PubMed 18533079; PubMed 19574547; PubMed 23396983; PubMed 27532257.

NC_000011.10:g.(?_47331851)_(47348561_?)del

Gene: MYBPC3 (myosin binding protein C3; minus strand). Cytogenetic location: 11p11.2.
Variant type: Deletion.
Identifiers: ClinVar variation 525136 (VCV000525136.6).